The following is an entry in ClinVar:

ClinVar aggregate classification (germline): Uncertain significance. Review status: criteria provided, multiple submitters, no conflicts (2 of 4 stars). 2 submissions from 2 submitters: Uncertain significance (2). Last evaluated 2026-03-19.

Submissions (2):

GeneDx
Classification: Uncertain significance. Last evaluated: 2026-03-19. Review status: criteria provided, single submitter. Criteria: GeneDx Variant Classification Process June 2021. Collection method: clinical testing. Allele origin: germline.
Comment: Not observed at significant frequency in large population cohorts (gnomAD); In-frame insertion of 2 amino acids in a non-repeat region; Has not been previously published as pathogenic or benign to our knowledge

Labcorp Genetics (formerly Invitae), Labcorp
Classification: Uncertain significance. Last evaluated: 2025-08-18. Review status: criteria provided, single submitter. Criteria: Invitae Variant Classification Sherloc (09022015). Collection method: clinical testing. Allele origin: germline.
Comment: This variant, c.6264_6265insTCTACG, results in the insertion of 2 amino acid(s) of the KMT2A protein (p.Ser2088_Thr2089insSerThr), but otherwise preserves the integrity of the reading frame. This variant is not present in population databases (gnomAD no frequency). This variant has not been reported in the literature in individuals affected with KMT2A-related conditions. In summary, the available evidence is currently insufficient to determine the role of this variant in disease. Therefore, it has been classified as a Variant of Uncertain Significance.

NM_001197104.2(KMT2A):c.6264_6265insTCTACG (p.Ser2088_Thr2089insSerThr)

Gene: KMT2A (lysine methyltransferase 2A; plus strand). Cytogenetic location: 11q23.3.
Variant type: Insertion.
Coding change: c.6264_6265insTCTACG on transcript NM_001197104.2 (MANE Select); coding-DNA positions 6264 to 6265, TCTACG inserted.
Protein change: p.Ser2088_Thr2089insSerThr.
Genome position: GRCh38 VCF-style: chr11-118501092-C-CTCTACG. GRCh37 (hg19) VCF-style: chr11-118371807-C-CTCTACG.
Other names: c.6354_6355insTCTACG, p.Ser2118_Thr2119insSerThr (NM_001412597.1); c.6255_6256insTCTACG, p.Ser2085_Thr2086insSerThr (NM_005933.4).
Identifiers: ClinVar variation 4775019 (VCV004775019.2).